The following is an entry in ClinVar:

ClinVar aggregate classification (germline): Uncertain significance (1 of 4 stars; one submission).

Conditions:
Hereditary cancer-predisposing syndrome. Also called: Tumor predisposition; Hereditary neoplastic syndrome; Hereditary Cancer Syndrome; Neoplastic Syndromes, Hereditary. Identifiers: Orphanet 140162, MedGen C0027672, MeSH D009386, MONDO:0015356.

Submission:

Ambry Genetics
Classification: Uncertain significance for Hereditary cancer-predisposing syndrome. Last evaluated: 2025-03-20. Review status: criteria provided, single submitter. Criteria: Ambry Variant Classification Scheme 2023. Collection method: clinical testing. Allele origin: germline.
Comment: The c.1571_1579delAGCGGCTCA variant (also known as p.E524_M527delinsV), located in coding exon 12 of the POLD1 gene results from an in-frame AGCGGCTCA deletion at nucleotide positions 1571 to 1579. This results in the substitution of four residues (ERLM) for a valine residue at codons 524 to 527. This amino acid region is well conserved through mammals. In addition, this alteration is predicted to be deleterious by in silico analysis (Choi Y et al. PLoS ONE. 2012; 7(10):e46688). Since supporting evidence is limited at this time, the clinical significance of this alteration remains unclear.

NM_002691.4(POLD1):c.1571_1579del (p.Glu524_Met527delinsVal)

Gene: POLD1 (DNA polymerase delta 1, catalytic subunit; plus strand). Cytogenetic location: 19q13.33.
Variant type: Deletion.
Coding change: c.1571_1579del on transcript NM_002691.4 (MANE Select); coding-DNA positions 1571 to 1579, 9 bases deleted (AGCGGCTCA; older notation c.1571_1579delAGCGGCTCA).
Protein change: p.Glu524_Met527delinsVal.
Molecular consequence: inframe indel. On other transcripts: non-coding transcript variant (1).
Genome position (GRCh38, 1-based): chr19:50,407,059-50,407,067, AGCGGCTCA deleted. VCF-style (leftmost placement, unchanged base first): chr19-50407058-GAGCGGCTCA-G. GRCh37 (hg19) VCF-style: chr19-50910315-GAGCGGCTCA-G.
Other names: c.1571_1579del, p.Glu524_Met527delinsVal (NM_001256849.1, NM_001308632.1).
Identifiers: ClinVar variation 3935537 (VCV003935537.1).
Genomic context (GRCh38, chr19:50,407,058, plus strand): 5'-ACCCGCCGCCGCCTGGCTGTGTACTGCCTGAAGGATGCCTACCTGCCACTGCGGCTGCTG[GAGCGGCTCA>G]TGGTGCTGGTGAACGCCGTGGAGATGGCGAGGGTCACTGGCGTGCCCCTCAGCTACCTGC-3'